The following is an entry in ClinVar:

ClinVar aggregate classification (germline): Pathogenic (1 of 4 stars; one submission).

Conditions:
Hereditary nonpolyposis colorectal neoplasms. Identifiers: MedGen C0009405, MeSH D003123.

Submission:

Labcorp Genetics (formerly Invitae), Labcorp
Classification: Pathogenic for Hereditary nonpolyposis colorectal neoplasms. Last evaluated: 2019-05-23. Review status: criteria provided, single submitter. Criteria: Invitae Variant Classification Sherloc (09022015). Collection method: clinical testing. Allele origin: unknown.
Comment: For these reasons, this variant has been classified as Pathogenic. This variant disrupts the C-terminus of the MSH6 protein. Another variant that disrupts this region (p.Leu1330Valfs*12) has been determined to be pathogenic (PMID: 14520694, 15236168, 16237223, 19851887, 21155762, 26440929), and is a founder mutation in the Ashkenazi Jewish population (PMID: 21155762). This suggests that variants that disrupt this region of the protein are likely to be causative of disease. This variant has not been reported in the literature in individuals with MSH6-related conditions. This variant is a gross deletion of the genomic region encompassing exons 6-10 and part of exon 5 (c.3187_*840del) of the MSH6 gene. While this deletion is not anticipated to result in nonsense mediated decay, it is expected to create a truncated protein product or disrupt mRNA translation.

Literature cited by the submitters: PubMed 14520694; PubMed 15236168; PubMed 16237223; PubMed 19851887; PubMed 21155762; PubMed 26440929.

NC_000002.11:g.(?_48030569)_(48034835_?)del

Genes: FBXO11 (F-box protein 11; minus strand), MSH6 (mutS homolog 6; plus strand). Cytogenetic location: 2p16.3.
Variant type: Deletion.
Identifiers: ClinVar variation 3247085 (VCV003247085.1).